The following is an entry in ClinVar:

NM_001370704.1(APOLTP):c.4364G>A (p.Arg1455Gln)

Gene: APOLTP (apolipoprotein lipid transfer particle homolog; minus strand). Cytogenetic location: 16p13.13.
Variant type: single nucleotide variant.
Coding change: c.4364G>A on transcript NM_001370704.1 (MANE Select); coding-DNA position 4364, G replaced by A.
Protein change: p.Arg1455Gln; replaces arginine 1455 with glutamine.
Molecular consequence: missense variant.
Genome position (GRCh38, 1-based): chr16:11,449,001, C>T on the plus strand (G>A on the coding strand, the complement: APOLTP is on the minus strand). VCF-style: chr16-11449001-C-T. GRCh37 (hg19) VCF-style: chr16-11542857-C-T.
Other names: c.4364G>A, p.Arg1455Gln (NM_001395505.1); short protein forms R1455Q.
Identifiers: ClinVar variation 2646224 (VCV002646224.24), dbSNP rs184584020, ClinGen allele CA7903507.
Genomic context (GRCh38, chr16:11,449,001, plus strand): 5'-GCTGTTAGGTTCAGCTCCTGCTGGGGGCCTTTCAACCAGCAGTTCAGGATCTTACGGTCC[C>T]GGCTGTTCTCAGCATGGATCTCGCCCTGCACTGCTGCGTTCCAGGCTGACTCGAGTTCGC-3'
Protein context (NP_001357633.1, residues 1445-1465): VQGEIHAENS[Arg1455Gln]DRKILNCWLK

ClinVar aggregate classification (germline): Likely benign (1 of 4 stars; one submission).

Allele frequency attached by ClinVar (database versions not stated): ExAC 0.00082; 1000 Genomes Project 30x 0.00141; 1000 Genomes Project 0.00200; gnomAD 0.00375; TOPMed 0.00380; gnomAD exomes 0.00538.
gnomAD v4.1: 7,835 of 1,524,538 alleles (0.51%); highest among the groups gnomAD compares: Non-Finnish European, 0.64%; 26 homozygotes.

Submission:

CeGaT Center for Human Genetics Tuebingen
Classification: Likely benign. Last evaluated: 2022-12-01. Review status: criteria provided, single submitter. Criteria: CeGaT Center For Human Genetics Tuebingen Variant Classification Criteria Version 2. Collection method: clinical testing. Allele origin: germline. Affected: yes. Observed: 1 variant allele.
Comment: LOC400499: BP4, BS2